The following is an entry in ClinVar:

Conditions:
Breast-ovarian cancer, familial, susceptibility to, 1 (BROVCA1). Also called: BRCA1 Hereditary Breast and Ovarian Cancer; OVARIAN CANCER, SUSCEPTIBILITY TO. Identifiers: Orphanet 145, MedGen C2676676, MONDO:0011450, OMIM 604370. Disease mechanism: loss of function.

Submission:

Brotman Baty Institute, University of Washington
No classification provided (evidence only). Condition: Breast-ovarian cancer, familial 1. Review status: no classification provided. Collection method: in vitro. Allele origin: not applicable. Functional consequence: function_uncertain_variant.
ClinVar note: "not provided" was previously submitted as the classification for the variant. However, the classification appeared to be based only on an observation of functional data so it was converted to no classification on 2025-07-30.

NM_007294.4(BRCA1):c.5546A>C (p.Glu1849Ala)

Gene: BRCA1 (BRCA1 DNA repair associated; minus strand). Cytogenetic location: 17q21.31.
Variant type: single nucleotide variant.
Coding change: c.5546A>C on transcript NM_007294.4 (MANE Select); coding-DNA position 5546, A replaced by C.
Protein change: p.Glu1849Ala; replaces glutamic acid 1849 with alanine.
Molecular consequence: missense variant. On other transcripts: 3 prime UTR variant (1), non-coding transcript variant (1).
Genome position (GRCh38, 1-based): chr17:43,045,724, T>G on the plus strand (A>C on the coding strand, the complement: BRCA1 is on the minus strand). VCF-style: chr17-43045724-T-G. GRCh37 (hg19) VCF-style: chr17-41197741-T-G.
Other names: c.5543A>C, p.Glu1848Ala (NM_001407619.1, NM_001407620.1, NM_001407621.1 and 14 more transcripts); c.5540A>C, p.Glu1847Ala (NM_001407627.1, NM_001407628.1, NM_001407638.1 and 13 more transcripts); c.5402A>C, p.Glu1801Ala (NM_001407743.1, NM_001407744.1, NM_001407745.1 and 18 more transcripts); c.5606A>C, p.Glu1869Ala (NM_001407590.1, NM_001407591.1); c.5546A>C, p.Glu1849Ala (NM_001407593.1, NM_001407594.1, NM_001407596.1 and 5 more transcripts); c.5537A>C, p.Glu1846Ala (NM_001407644.1, NM_001407645.1); c.5534A>C, p.Glu1845Ala (NM_001407646.1); c.5531A>C, p.Glu1844Ala (NM_001407647.1); and 74 more; short protein forms E1849A, E745A, E1802A, E1870A, E1736A, E1761A, E1780A, E1801A.
Identifiers: ClinVar variation 864999 (VCV000864999.3), dbSNP rs2050864495, ClinGen allele CA10590230.